The following is an entry in ClinVar:

NM_001267550.2(TTN):c.72613del (p.Val24205fs)

Genes: TTN (titin; minus strand), TTN-AS1 (TTN antisense RNA 1; plus strand). Cytogenetic location: 2q31.2.
Variant type: Deletion.
Coding change: c.72613del on transcript NM_001267550.2 (MANE Select); coding-DNA position 72613, one base deleted (G; older notation c.72613delG).
Protein change: p.Val24205fs; shifts the reading frame from valine 24205.
Molecular consequence: frameshift variant.
Genome position (GRCh38, 1-based): chr2:178,573,519, C deleted on the plus strand (G on the coding strand, the reverse complement: TTN is on the minus strand). VCF-style (leftmost placement, unchanged base first): chr2-178573518-AC-A. GRCh37 (hg19) VCF-style: chr2-179438245-AC-A.
Other names: c.45418delG (NM_003319.4); c.67690del, p.Val22564fs (NM_001256850.1); c.45418del, p.Val15140fs (NM_003319.4); c.64909del, p.Val21637fs (NM_133378.4); c.45793del, p.Val15265fs (NM_133432.3); c.45994del, p.Val15332fs (NM_133437.4); short protein forms V21637fs, V15140fs, V15332fs, V24205fs, V22564fs, V15265fs.
Identifiers: ClinVar variation 952227 (VCV000952227.12), dbSNP rs1708996209, ClinGen allele CA1139657505.

ClinVar aggregate classification (germline): Pathogenic/Likely pathogenic. Review status: criteria provided, multiple submitters, no conflicts (2 of 4 stars). 3 submissions from 3 submitters: Pathogenic (1); Likely pathogenic (2). Last evaluated 2025-03-19.

Conditions:
Autosomal recessive limb-girdle muscular dystrophy type 2J (LGMDR10). Also called: Limb-girdle muscular dystrophy, type 2J; MUSCULAR DYSTROPHY, LIMB-GIRDLE, AUTOSOMAL RECESSIVE 10. Identifiers: Orphanet 140922, MedGen C1837342, MONDO:0012127, OMIM 608807.
Hypertrophic cardiomyopathy 9. Also called: Familial hypertrophic cardiomyopathy 9. Identifiers: MedGen C1861065, MONDO:0013412, OMIM 613765.
Dilated cardiomyopathy 1G (CMD1G). Identifiers: Orphanet 154, MedGen C1858763, MONDO:0011400, OMIM 604145.
Tibial muscular dystrophy (TMD). Also called: Tibial muscular dystrophy, tardive; Udd Distal Myopathy – Tibial Muscular Dystrophy; UDD MYOPATHY. Identifiers: Orphanet 609, MedGen C1838244, MONDO:0010870, OMIM 600334.
Early-onset myopathy with fatal cardiomyopathy (CMYO5). Also called: Salih Myopathy; CONGENITAL MYOPATHY 5 WITH CARDIOMYOPATHY. Identifiers: Orphanet 289377, MedGen C2673677, MONDO:0012714, OMIM 611705. Disease mechanism: loss of function.
Myopathy, myofibrillar, 9, with early respiratory failure (MFM9). Also called: Hereditary myopathy with early respiratory failure; Myopathy, distal, with early respiratory failure, autosomal dominant; EDSTROM MYOPATHY; MYOPATHY, PROXIMAL, WITH EARLY RESPIRATORY MUSCLE INVOLVEMENT. Identifiers: Orphanet 178464, Orphanet 34521, MedGen C1863599, MONDO:0011362, OMIM 603689.
Cardiovascular phenotype. Identifiers: MedGen CN230736.

Allele frequency attached by ClinVar (database versions not stated): gnomAD exomes below 0.00001.

Submissions (3):

Labcorp Genetics (formerly Invitae), Labcorp
Classification: Likely pathogenic for Dilated cardiomyopathy 1G; Autosomal recessive limb-girdle muscular dystrophy type 2J. Last evaluated: 2025-03-19. Review status: criteria provided, single submitter. Criteria: Invitae Variant Classification Sherloc (09022015). Collection method: clinical testing. Allele origin: germline.
Comment: This sequence change creates a premature translational stop signal (p.Val24205Trpfs*13) in the TTN gene. While this is not anticipated to result in nonsense mediated decay, it is expected to create a truncated TTN protein. This variant is not present in population databases (gnomAD no frequency). This variant has not been reported in the literature in individuals affected with TTN-related conditions. ClinVar contains an entry for this variant (Variation ID: 952227). This variant is located in the A band of TTN (PMID: 25589632). Truncating variants in this region are significantly overrepresented in patients affected with dilated cardiomyopathy (PMID: 25589632). Truncating variants in this region have also been reported in individuals affected with autosomal recessive centronuclear myopathy (PMID: 23975875). In summary, the currently available evidence indicates that the variant is pathogenic, but additional data are needed to prove that conclusively. Therefore, this variant has been classified as Likely Pathogenic.

Ambry Genetics
Classification: Pathogenic for Cardiovascular phenotype. Last evaluated: 2025-03-03. Review status: criteria provided, single submitter. Criteria: Ambry Variant Classification Scheme 2023. Collection method: clinical testing. Allele origin: germline.
Comment: The c.45418delG pathogenic mutation, located in coding exon 153 of the TTN gene, results from a deletion of one nucleotide at nucleotide position 45418, causing a translational frameshift with a predicted alternate stop codon (p.V15140Wfs*13). This exon is located in the A-band region of the N2-B isoform of the titin protein and is constitutively expressed in TTN transcripts (percent spliced in or PSI 100%). This variant was reported in individual(s) with features consistent with dilated cardiomyopathy (DCM) (Ambry internal data). This variant is considered to be rare based on population cohorts in the Genome Aggregation Database (gnomAD). This variant is expected to result in loss of function by premature protein truncation or nonsense-mediated mRNA decay. While truncating variants in TTN are present in 1-3% of the general population, truncating variants in the A-band are the most common cause of dilated cardiomyopathy (Herman DS et al. N. Engl. J. Med., 2012 Feb;366:619-28; Roberts AM et al. Sci Transl Med, 2015 Jan;7:270ra6). TTN truncating variants encoded in constitutive exons (PSI >90%) have been found to be significantly associated with DCM regardless of their position in titin (Schafer S et al. Nat. Genet., 2017 01;49:46-53; Akhtar MM et al. Circ Heart Fail, 2020 Oct;13:e006832; Massier M et al. Clin Genet, 2025 Jan). Based on the supporting evidence, this variant is interpreted as a disease-causing mutation.

Fulgent Genetics
Classification: Likely pathogenic for Tibial muscular dystrophy; Myopathy, myofibrillar, 9, with early respiratory failure; Dilated cardiomyopathy 1G; Autosomal recessive limb-girdle muscular dystrophy type 2J; Early-onset myopathy with fatal cardiomyopathy; Hypertrophic cardiomyopathy 9. Last evaluated: 2021-09-16. Review status: criteria provided, single submitter. Criteria: ACMG Guidelines, 2015. Collection method: clinical testing. Allele origin: unknown.

Literature cited by the submitters: PubMed 25589632 (cited by Labcorp Genetics (formerly Invitae), Labcorp); PubMed 23975875 (cited by Labcorp Genetics (formerly Invitae), Labcorp).